The following is an entry in ClinVar:

ClinVar aggregate classification (germline): Pathogenic (1 of 4 stars; one submission).

Conditions:
Duchenne muscular dystrophy (DMD). Also called: MUSCULAR DYSTROPHY, PSEUDOHYPERTROPHIC PROGRESSIVE, DUCHENNE TYPE; Duchenne Muscular Dystrophy (DMD). Identifiers: Orphanet 98896, MedGen C0013264, MONDO:0010679, OMIM 310200.

Submission:

Labcorp Genetics (formerly Invitae), Labcorp
Classification: Pathogenic for Duchenne muscular dystrophy. Last evaluated: 2023-08-13. Review status: criteria provided, single submitter. Criteria: Invitae Variant Classification Sherloc (09022015). Collection method: clinical testing. Allele origin: unknown.
Comment: This variant disrupts a region of the DMD protein in which other variant(s) (Deletion (Exons 24-25)) have been determined to be pathogenic (PMID: 22754229; Invitae). This suggests that this is a clinically significant region of the protein, and that variants that disrupt it are likely to be disease-causing. For these reasons, this variant has been classified as Pathogenic. This variant has not been reported in the literature in individuals affected with DMD-related conditions. This variant results in the deletion of exons 24-25 and part of exon 23 (c.3115_3432+49del) of the DMD gene. It is expected to disrupt RNA splicing. Variants that disrupt the donor or acceptor splice site typically lead to a loss of protein function (PMID: 16199547), and loss-of-function variants in DMD are known to be pathogenic (PMID: 16770791, 25007885).

Literature cited by the submitters: PubMed 22754229; PubMed 16199547; PubMed 16770791; PubMed 25007885.

NC_000023.10:g.(?_32481507)_(32486662_?)del

Gene: DMD (dystrophin; minus strand). Cytogenetic location: Xp21.1.
Variant type: Deletion.
Identifiers: ClinVar variation 3243538 (VCV003243538.1).